The following is an entry in ClinVar:

ClinVar aggregate classification (germline): Uncertain significance (1 of 4 stars; one submission).

Conditions:
Idiopathic generalized epilepsy. Also called: EIG; Generalised epilepsy. Identifiers: MedGen C0270850, MONDO:0005579, OMIM 600669.
Hyperaldosteronism, familial, type IV (HALD4). Also called: FH IV; ALDOSTERONISM, PRIMARY, AND HYPERTENSION. Identifiers: Orphanet 642671, MedGen C4310756, MONDO:0014875, OMIM 617027.

Allele frequency attached by ClinVar (database versions not stated): ExAC 0.00002; gnomAD 0.00003; TOPMed 0.00005; ESP Exome Variant Server 0.00008; 1000 Genomes Project 30x 0.00016; 1000 Genomes Project 0.00020.
gnomAD v4.1: 27 of 1,603,112 alleles (0.0017%); highest among the groups gnomAD compares: African/African-American, 0.0094%; no homozygotes.

Submission:

Labcorp Genetics (formerly Invitae), Labcorp
Classification: Uncertain significance for Idiopathic generalized epilepsy; Hyperaldosteronism, familial, type IV. Last evaluated: 2024-05-31. Review status: criteria provided, single submitter. Criteria: Invitae Variant Classification Sherloc (09022015). Collection method: clinical testing. Allele origin: germline.
Comment: This sequence change replaces valine, which is neutral and non-polar, with methionine, which is neutral and non-polar, at codon 951 of the CACNA1H protein (p.Val951Met). The frequency data for this variant in the population databases is considered unreliable, as metrics indicate poor data quality at this position in the gnomAD database. This variant has not been reported in the literature in individuals affected with CACNA1H-related conditions. ClinVar contains an entry for this variant (Variation ID: 1040040). Advanced modeling of protein sequence and biophysical properties (such as structural, functional, and spatial information, amino acid conservation, physicochemical variation, residue mobility, and thermodynamic stability) performed at Invitae indicates that this missense variant is not expected to disrupt CACNA1H protein function with a negative predictive value of 80%. In summary, the available evidence is currently insufficient to determine the role of this variant in disease. Therefore, it has been classified as a Variant of Uncertain Significance.

NM_021098.3(CACNA1H):c.2851G>A (p.Val951Met)

Gene: CACNA1H (calcium voltage-gated channel subunit alpha1 H; plus strand). Cytogenetic location: 16p13.3.
Variant type: single nucleotide variant.
Coding change: c.2851G>A on transcript NM_021098.3 (MANE Select); coding-DNA position 2851, G replaced by A.
Protein change: p.Val951Met; replaces valine 951 with methionine.
Molecular consequence: missense variant.
Genome position (GRCh38, 1-based): chr16:1,207,062, G>A. VCF-style: chr16-1207062-G-A. GRCh37 (hg19) VCF-style: chr16-1257062-G-A.
Other names: c.2851G>A, p.Val951Met (NM_001005407.2); short protein forms V951M.
Identifiers: ClinVar variation 1040040 (VCV001040040.9), dbSNP rs372479526, ClinGen allele CA7800464.